The following is an entry in ClinVar:

NM_001148.6(ANK2):c.8608T>C (p.Ser2870Pro)

Gene: ANK2 (ankyrin 2; plus strand). Cytogenetic location: 4q26.
Variant type: single nucleotide variant.
Coding change: c.8608T>C on transcript NM_001148.6 (MANE Select); coding-DNA position 8608, T replaced by C.
Protein change: p.Ser2870Pro; replaces serine 2870 with proline.
Molecular consequence: missense variant. On other transcripts: intron variant (68).
Genome position (GRCh38, 1-based): chr4:113,357,226, T>C. VCF-style: chr4-113357226-T-C. GRCh37 (hg19) VCF-style: chr4-114278382-T-C.
Other names: c.8374T>C, p.Ser2792Pro (NM_001386142.1); c.5008T>C, p.Ser1670Pro (NM_001386166.1); c.8749T>C, p.Ser2917Pro (NM_001386174.1); c.8725T>C, p.Ser2909Pro (NM_001386175.1); c.4412-3597T>C (NM_001386186.2, NM_001386148.2); c.4214-3597T>C (NM_001354269.3); c.4292-3597T>C (NM_001386187.2); c.4253-3597T>C (NM_001386147.1); and 35 more; short protein forms S1670P, S2792P, S2870P, S2909P, S2917P.
Identifiers: ClinVar variation 2095818 (VCV002095818.4), dbSNP rs2505873892, ClinGen allele CA357934429.

ClinVar aggregate classification (germline): Uncertain significance (1 of 4 stars; one submission).

Conditions:
Long QT syndrome (LQTS). Identifiers: MedGen C0023976, MeSH D008133, MONDO:0002442. Disease mechanism: loss of function. Inheritance: Various modes of inheritance.

Submission:

Labcorp Genetics (formerly Invitae), Labcorp
Classification: Uncertain significance for Long QT syndrome. Last evaluated: 2022-02-09. Review status: criteria provided, single submitter. Criteria: Invitae Variant Classification Sherloc (09022015). Collection method: clinical testing. Allele origin: germline.
Comment: In summary, the available evidence is currently insufficient to determine the role of this variant in disease. Therefore, it has been classified as a Variant of Uncertain Significance. Algorithms developed to predict the effect of missense changes on protein structure and function output the following: SIFT: "Tolerated"; PolyPhen-2: "Benign"; Align-GVGD: "Class C0". The proline amino acid residue is found in multiple mammalian species, which suggests that this missense change does not adversely affect protein function. This variant has not been reported in the literature in individuals affected with ANK2-related conditions. This variant is not present in population databases (gnomAD no frequency). This sequence change replaces serine, which is neutral and polar, with proline, which is neutral and non-polar, at codon 2870 of the ANK2 protein (p.Ser2870Pro).